The following is an entry in ClinVar:

NM_000182.5(HADHA):c.1235_1236del (p.Val412fs)

Genes: GAREM2 (GRB2 associated regulator of MAPK1 subtype 2; plus strand), HADHA (hydroxyacyl-CoA dehydrogenase trifunctional multienzyme complex subunit alpha; minus strand). Cytogenetic location: 2p23.3.
Variant type: Deletion.
Coding change: c.1235_1236del on transcript NM_000182.5 (MANE Select); coding-DNA positions 1235 to 1236, 2 bases deleted (TG; older notation c.1235_1236delTG).
Protein change: p.Val412fs; shifts the reading frame from valine 412.
Molecular consequence: frameshift variant.
Genome position (GRCh38, 1-based): chr2:26,201,305-26,201,306, CA deleted on the plus strand (TG on the coding strand, the reverse complement: HADHA is on the minus strand); deleting any 2 consecutive bases within chr2:26,201,305-26,201,307 gives the same sequence; the c. name uses the placement nearest the transcript's 3' end. VCF-style (leftmost placement, unchanged base first): chr2-26201304-TCA-T. GRCh37 (hg19) VCF-style: chr2-26424173-TCA-T.
Other names: short protein forms V412fs.
Identifiers: ClinVar variation 1725075 (VCV001725075.3), dbSNP rs2465534615, ClinGen allele CA2580066147.

ClinVar aggregate classification (germline): Likely pathogenic (1 of 4 stars; one submission).

Conditions:
Long chain 3-hydroxyacyl-CoA dehydrogenase deficiency. Also called: LCHAD Deficiency; Deficiency of long-chain 3-hydroxyacyl-coenzyme A dehydrogenase. Identifiers: Orphanet 5, MedGen C3711645, MONDO:0012173, OMIM 609016.

Submission:

Myriad Genetics, Inc.
Classification: Likely pathogenic for Long chain 3-hydroxyacyl-CoA dehydrogenase deficiency. Last evaluated: 2022-03-06. Review status: criteria provided, single submitter. Criteria: Myriad Autosomal Dominant, Autosomal Recessive and X-Linked Classification Criteria (2023). Collection method: clinical testing. Allele origin: unknown.
Comment: NM_000182.4(HADHA):c.1235_1236delTG(V412Efs*9) is expected to be pathogenic in the context of HADHA-related disorders. This variant is predicted to lead to an abnormal or absent protein product due to the creation of a premature termination codon in HADHA, a gene where loss-of-function variants are known to be pathogenic. Please note: this variant was assessed in the context of healthy population screening.